The following is an entry in ClinVar:

NM_032444.4(SLX4):c.2766G>C (p.Lys922Asn)

Gene: SLX4 (SLX4 structure-specific endonuclease subunit; minus strand). Cytogenetic location: 16p13.3.
Variant type: single nucleotide variant.
Coding change: c.2766G>C on transcript NM_032444.4 (MANE Select); coding-DNA position 2766, G replaced by C.
Protein change: p.Lys922Asn; replaces lysine 922 with asparagine.
Molecular consequence: missense variant.
Genome position (GRCh38, 1-based): chr16:3,590,872, C>G on the plus strand (G>C on the coding strand, the complement: SLX4 is on the minus strand). VCF-style: chr16-3590872-C-G. GRCh37 (hg19) VCF-style: chr16-3640873-C-G.
Other names: short protein forms K922N.
Identifiers: ClinVar variation 4714972 (VCV004714972.1).
Genomic context (GRCh38, chr16:3,590,872, plus strand): 5'-CTCTGCTCCCCGTGCCCCTGAGTGCTGGCCCTGGGGTGGCGGGAGAGCGCACTGTCCCAT[C>G]TTCTCCCAGGTGGTGGCGGCCTCATCTCTTCCTGGCTCCAACGGCTCCATCTCCTCCACC-3'
Protein context (NP_115820.2, residues 912-932): GRDEAATTWE[Lys922Asn]MGQCALPPPQ

ClinVar aggregate classification (germline): Uncertain significance (1 of 4 stars; one submission).

Conditions:
Fanconi anemia (FA). Also called: Fanconi's anemia. Identifiers: Orphanet 84, MedGen C0015625, MeSH D005199, MONDO:0019391.

Submission:

Labcorp Genetics (formerly Invitae), Labcorp
Classification: Uncertain significance for Fanconi anemia. Last evaluated: 2025-03-12. Review status: criteria provided, single submitter. Criteria: Invitae Variant Classification Sherloc (09022015). Collection method: clinical testing. Allele origin: germline.
Comment: This sequence change replaces lysine, which is basic and polar, with asparagine, which is neutral and polar, at codon 922 of the SLX4 protein (p.Lys922Asn). This variant is not present in population databases (gnomAD no frequency). This variant has not been reported in the literature in individuals affected with SLX4-related conditions. An algorithm developed to predict the effect of missense changes on protein structure and function outputs the following: PolyPhen-2: "Benign". The asparagine amino acid residue is found in multiple mammalian species, which suggests that this missense change does not adversely affect protein function. In summary, the available evidence is currently insufficient to determine the role of this variant in disease. Therefore, it has been classified as a Variant of Uncertain Significance.